The following is an entry in ClinVar:

ClinVar aggregate classification (germline): Uncertain significance (1 of 4 stars; one submission).

Allele frequency attached by ClinVar (database versions not stated): gnomAD exomes below 0.00001.
gnomAD v4.1: 1 of 1,613,324 alleles (0.000062%); highest among the groups gnomAD compares: Non-Finnish European, 0.000085%; no homozygotes.

Submission:

Labcorp Genetics (formerly Invitae), Labcorp
Classification: Uncertain significance. Last evaluated: 2022-05-25. Review status: criteria provided, single submitter. Criteria: Invitae Variant Classification Sherloc (09022015). Collection method: clinical testing. Allele origin: germline.
Comment: In summary, the available evidence is currently insufficient to determine the role of this variant in disease. Therefore, it has been classified as a Variant of Uncertain Significance. Algorithms developed to predict the effect of sequence changes on RNA splicing suggest that this variant may disrupt the consensus splice site. Algorithms developed to predict the effect of missense changes on protein structure and function (SIFT, PolyPhen-2, Align-GVGD) all suggest that this variant is likely to be disruptive. This variant has not been reported in the literature in individuals affected with LYN-related conditions. This variant is present in population databases (no rsID available, gnomAD 0.0009%). This sequence change replaces lysine, which is basic and polar, with arginine, which is basic and polar, at codon 132 of the LYN protein (p.Lys132Arg).

NM_002350.4(LYN):c.395A>G (p.Lys132Arg)

Gene: LYN (LYN proto-oncogene, Src family tyrosine kinase; plus strand). Cytogenetic location: 8q12.1.
Variant type: single nucleotide variant.
Coding change: c.395A>G on transcript NM_002350.4 (MANE Select); coding-DNA position 395, A replaced by G.
Protein change: p.Lys132Arg; replaces lysine 132 with arginine.
Molecular consequence: missense variant.
Genome position (GRCh38, 1-based): chr8:55,950,692, A>G. VCF-style: chr8-55950692-A-G. GRCh37 (hg19) VCF-style: chr8-56863251-A-G.
Other names: c.332A>G, p.Lys111Arg (NM_001111097.3); short protein forms K111R, K132R.
Identifiers: ClinVar variation 1927905 (VCV001927905.5), dbSNP rs1163804753, ClinGen allele CA371280328.
Genomic context (GRCh38, chr8:55,950,692, plus strand): 5'-TTCTTGCCGTGGAACATAATATGCAGGAAATGTTGAAATGTCTTCACAGGTGGTTTTTCA[A>G]GGATATAACCAGGAAGGACGCAGAAAGGCAGCTTTTGGCACCAGGAAATAGCGCTGGAGC-3'
Protein context (NP_002341.1, residues 122-142): NTLETEEWFF[Lys132Arg]DITRKDAERQ